The following is an entry in ClinVar:

ClinVar aggregate classification (germline): Pathogenic/Likely pathogenic. Review status: criteria provided, multiple submitters, no conflicts (2 of 4 stars). 2 submissions from 2 submitters: Pathogenic (1); Likely pathogenic (1). Last evaluated 2021-08-18.

Conditions:
3-Oxo-5 alpha-steroid delta 4-dehydrogenase deficiency (PPSH). Also called: MALE PSEUDOHERMAPHRODITISM DUE TO 5-ALPHA-REDUCTASE DEFICIENCY; PSEUDOVAGINAL PERINEOSCROTAL HYPOSPADIAS; FAMILIAL INCOMPLETE MALE PSEUDOHERMAPHRODITISM, TYPE 2; 46,XY disorder of sex development due to 5-alpha-reductase 2 deficiency. Identifiers: Orphanet 753, MedGen C0268297, MONDO:0009923, OMIM 264600. Disease mechanism: loss of function.

Allele frequency attached by ClinVar (database versions not stated): gnomAD exomes below 0.00001; ExAC 0.00001.
gnomAD v4.1: 8 of 1,613,978 alleles (0.0005%); highest among the groups gnomAD compares: South Asian, 0.0066%; no homozygotes.

Submissions (2):

MGZ Medical Genetics Center
Classification: Likely pathogenic for 3-Oxo-5 alpha-steroid delta 4-dehydrogenase deficiency. Last evaluated: 2021-08-18. Review status: criteria provided, single submitter. Criteria: ACMG Guidelines, 2015. Collection method: clinical testing. Allele origin: germline. Affected: yes. Observed: 1 variant allele.
Comment: ACMG criteria applied: PM3, PS4_SUP, PM2_SUP, PP3, PP4

Labcorp Genetics (formerly Invitae), Labcorp
Classification: Pathogenic for 3-Oxo-5 alpha-steroid delta 4-dehydrogenase deficiency. Last evaluated: 2021-02-19. Review status: criteria provided, single submitter. Criteria: Invitae Variant Classification Sherloc (09022015). Collection method: clinical testing. Allele origin: germline.
Comment: This sequence change replaces threonine with isoleucine at codon 208 of the SRD5A2 protein (p.Thr208Ile). The threonine residue is highly conserved and there is a moderate physicochemical difference between threonine and isoleucine. The frequency data for this variant in the population databases is considered unreliable, as metrics indicate poor data quality at this position in the ExAC database. This variant has been observed in individual(s) with clinical features of SRD5A2-related conditions (PMID: 31186340, 30968598, Invitae). It has also been observed to segregate with disease in related individuals. ClinVar contains an entry for this variant (Variation ID: 459641). Advanced modeling of protein sequence and biophysical properties (such as structural, functional, and spatial information, amino acid conservation, physicochemical variation, residue mobility, and thermodynamic stability) performed at Invitae indicates that this missense variant is expected to disrupt SRD5A2 protein function. For these reasons, this variant has been classified as Pathogenic.

Literature cited by the submitters: PubMed 31186340 (cited by Labcorp Genetics (formerly Invitae), Labcorp); PubMed 30968598 (cited by Labcorp Genetics (formerly Invitae), Labcorp).

NM_000348.4(SRD5A2):c.623C>T (p.Thr208Ile)

Gene: SRD5A2 (steroid 5 alpha-reductase 2; minus strand). Cytogenetic location: 2p23.1.
Variant type: single nucleotide variant.
Coding change: c.623C>T on transcript NM_000348.4 (MANE Select); coding-DNA position 623, C replaced by T.
Protein change: p.Thr208Ile; replaces threonine 208 with isoleucine.
Molecular consequence: missense variant.
Genome position (GRCh38, 1-based): chr2:31,529,382, G>A on the plus strand (C>T on the coding strand, the complement: SRD5A2 is on the minus strand). VCF-style: chr2-31529382-G-A. GRCh37 (hg19) VCF-style: chr2-31754452-G-A.
Other names: short protein forms T208I.
Identifiers: ClinVar variation 459641 (VCV000459641.9), dbSNP rs759318152, ClinGen allele CA1599875.